The following is an entry in ClinVar:

NM_001084.5(PLOD3):c.1006-1_1006delinsCA

Gene: PLOD3 (procollagen-lysine,2-oxoglutarate 5-dioxygenase 3; minus strand). Cytogenetic location: 7q22.1.
Variant type: Indel.
Coding change: c.1006-1_1006delinsCA on transcript NM_001084.5 (MANE Select); the canonical splice acceptor site of the intron before coding-DNA position 1006 through coding-DNA position 1006, GG replaced by CA.
Molecular consequence: splice acceptor variant.
Genome position (GRCh38, 1-based): chr7:101,212,374-101,212,375, CC replaced by TG on the plus strand (GG replaced by CA on the coding strand, the reverse complement: PLOD3 is on the minus strand). VCF-style: chr7-101212374-CC-TG. GRCh37 (hg19) VCF-style: chr7-100855655-CC-TG.
Identifiers: ClinVar variation 2796567 (VCV002796567.3), dbSNP rs2535169770, ClinGen allele CA2739279530.

ClinVar aggregate classification (germline): Likely pathogenic (1 of 4 stars; one submission).

Submission:

Labcorp Genetics (formerly Invitae), Labcorp
Classification: Likely pathogenic. Last evaluated: 2024-08-17. Review status: criteria provided, single submitter. Criteria: Invitae Variant Classification Sherloc (09022015). Collection method: clinical testing. Allele origin: germline.
Comment: This variant results in the deletion of part of exon 10 (c.1006-1_1006delinsCA) of the PLOD3 gene. It is expected to disrupt RNA splicing. Variants that disrupt the donor or acceptor splice site typically lead to a loss of protein function (PMID: 16199547), and loss-of-function variants in PLOD3 are known to be pathogenic (PMID: 30237576). Information on the frequency of this variant in the gnomAD database is not available, as this variant may be reported differently in the database. This variant has not been reported in the literature in individuals affected with PLOD3-related conditions. In summary, the currently available evidence indicates that the variant is pathogenic, but additional data are needed to prove that conclusively. Therefore, this variant has been classified as Likely Pathogenic.

Literature cited by the submitters: PubMed 16199547; PubMed 30237576.